The following is an entry in ClinVar:

NM_017612.5(ZCCHC8):c.935G>A (p.Arg312Gln)

Gene: ZCCHC8 (zinc finger CCHC-type containing 8; minus strand). Cytogenetic location: 12q24.31.
Variant type: single nucleotide variant.
Coding change: c.935G>A on transcript NM_017612.5 (MANE Select); coding-DNA position 935, G replaced by A.
Protein change: p.Arg312Gln; replaces arginine 312 with glutamine.
Molecular consequence: missense variant.
Genome position (GRCh38, 1-based): chr12:122,481,605, C>T on the plus strand (G>A on the coding strand, the complement: ZCCHC8 is on the minus strand). VCF-style: chr12-122481605-C-T. GRCh37 (hg19) VCF-style: chr12-122966152-C-T.
Other names: c.704G>A, p.Arg235Gln (NM_001350935.2); c.638G>A, p.Arg213Gln (NM_001350936.2); c.221G>A, p.Arg74Gln (NM_001350937.2, NM_001350938.2); c.935G>A (NM_017612.3); short protein forms R213Q, R235Q, R74Q, R312Q.
Identifiers: ClinVar variation 2778979 (VCV002778979.4), dbSNP rs758343951, ClinGen allele CA6846325.
Genomic context (GRCh38, chr12:122,481,605, plus strand): 5'-CCCGAATTCTCCAATTCAGCCTCTTTGAGCCACCCTGGTGGGTACCCTAGCTGGCGCATC[C>T]GATAGATAAAAGGTGGAAGACTCTTGTCTGTCACACCTAGTGCATCTTGAAGTTCCTCAC-3'
Protein context (NP_060082.2, residues 302-322): TDKSLPPFIY[Arg312Gln]MRQLGYPPGW

ClinVar aggregate classification (germline): Uncertain significance. Review status: criteria provided, multiple submitters, no conflicts (2 of 4 stars). 2 submissions from 2 submitters: Uncertain significance (2). Last evaluated 2025-11-03.

Allele frequency attached by ClinVar (database versions not stated): gnomAD exomes 0.00001; ExAC 0.00005; gnomAD 0.00001; TOPMed 0.00001.
gnomAD v4.1: 18 of 1,613,710 alleles (0.0011%); highest among the groups gnomAD compares: Non-Finnish European, 0.0014%; no homozygotes.

Submissions (2):

Ambry Genetics
Classification: Uncertain significance. Last evaluated: 2025-11-03. Review status: criteria provided, single submitter. Criteria: Ambry Variant Classification Scheme 2023. Collection method: clinical testing. Allele origin: germline.

Labcorp Genetics (formerly Invitae), Labcorp
Classification: Uncertain significance. Last evaluated: 2025-10-04. Review status: criteria provided, single submitter. Criteria: Invitae Variant Classification Sherloc (09022015). Collection method: clinical testing. Allele origin: germline.
Comment: This sequence change replaces arginine, which is basic and polar, with glutamine, which is neutral and polar, at codon 312 of the ZCCHC8 protein (p.Arg312Gln). This variant is present in population databases (rs758343951, gnomAD 0.006%). This variant has not been reported in the literature in individuals affected with ZCCHC8-related conditions. ClinVar contains an entry for this variant (Variation ID: 2778979). Invitae Evidence Modeling of protein sequence and biophysical properties (such as structural, functional, and spatial information, amino acid conservation, physicochemical variation, residue mobility, and thermodynamic stability) has been performed for this missense variant. However, the output from this modeling did not meet the statistical confidence thresholds required to predict the impact of this variant on ZCCHC8 protein function. In summary, the available evidence is currently insufficient to determine the role of this variant in disease. Therefore, it has been classified as a Variant of Uncertain Significance.